The following is an entry in ClinVar:

NM_001177316.2(SLC34A3):c.316G>A (p.Gly106Arg)

Gene: SLC34A3 (solute carrier family 34 member 3; plus strand). Cytogenetic location: 9q34.3.
Variant type: single nucleotide variant.
Coding change: c.316G>A on transcript NM_001177316.2 (MANE Select); coding-DNA position 316, G replaced by A.
Protein change: p.Gly106Arg; replaces glycine 106 with arginine.
Molecular consequence: missense variant.
Genome position (GRCh38, 1-based): chr9:137,232,795, G>A. VCF-style: chr9-137232795-G-A. GRCh37 (hg19) VCF-style: chr9-140127247-G-A.
Other names: c.316G>A, p.Gly106Arg (NM_080877.3, NM_001177317.2); short protein forms G106R.
Identifiers: ClinVar variation 1701010 (VCV001701010.8), dbSNP rs142106801, ClinGen allele CA5364340.
Genomic context (GRCh38, chr9:137,232,795, plus strand): 5'-CGGGCAACCAGCCCTCCGCAGCTTCAGCGCACCTCTCTTGCCGGTGTAGGCAAAGTGGCC[G>A]GAGACATCTTCAAGGACAACGTGGTGCTGTCCAACCCTGTGGCTGGACTGGTCATTGGCG-3'
Protein context (NP_001170787.2, residues 96-116): AFQLLGSKVA[Gly106Arg]DIFKDNVVLS

ClinVar aggregate classification (germline): Uncertain significance. Review status: criteria provided, multiple submitters, no conflicts (2 of 4 stars). 4 submissions from 4 submitters: Uncertain significance (4). Last evaluated 2025-10-28.

Conditions:
Autosomal recessive hypophosphatemic bone disease (HHRH). Also called: Hypophosphatemic rickets with hypercalciuria; HYPERCALCIURIC RICKETS. Identifiers: Orphanet 157215, MedGen C1853271, MONDO:0009431, OMIM 241530.

Allele frequency attached by ClinVar (database versions not stated): gnomAD 0.00005 and 0.00006; TOPMed 0.00006; ExAC 0.00008; gnomAD exomes 0.00009 and 0.00017; 1000 Genomes Project 0.00020; 1000 Genomes Project 30x 0.00031.
gnomAD v4.1: 265 of 1,613,046 alleles (0.016%); highest among the groups gnomAD compares: Non-Finnish European, 0.019%; no homozygotes.

Submissions (4):

Women's Health and Genetics/Laboratory Corporation of America, LabCorp
Classification: Uncertain significance. Last evaluated: 2025-10-28. Review status: criteria provided, single submitter. Criteria: LabCorp Variant Classification Summary - May 2015. Collection method: clinical testing. Allele origin: germline.
Comment: Variant summary: SLC34A3 c.316G>A (p.Gly106Arg) results in a non-conservative amino acid change in the encoded protein sequence. Algorithms developed to predict the effect of missense changes on protein structure and function all suggest that this variant is likely to be disruptive. The variant allele was found at a frequency of 8.8e-05 in 250194 control chromosomes. This frequency is not significantly higher than estimated for disease-causing variants in SLC34A3, allowing no conclusion about variant significance. To our knowledge, no occurrence of c.316G>A in individuals affected with SLC34A3-related conditions and no experimental evidence demonstrating its impact on protein function have been reported. ClinVar contains an entry for this variant (Variation ID: 1701010). Based on the evidence outlined above, the variant was classified as uncertain significance.

Labcorp Genetics (formerly Invitae), Labcorp
Classification: Uncertain significance. Last evaluated: 2022-08-31. Review status: criteria provided, single submitter. Criteria: Invitae Variant Classification Sherloc (09022015). Collection method: clinical testing. Allele origin: germline.
Comment: This sequence change replaces glycine, which is neutral and non-polar, with arginine, which is basic and polar, at codon 106 of the SLC34A3 protein (p.Gly106Arg). This variant is present in population databases (rs142106801, gnomAD 0.02%). This variant has not been reported in the literature in individuals affected with SLC34A3-related conditions. Algorithms developed to predict the effect of missense changes on protein structure and function are either unavailable or do not agree on the potential impact of this missense change (SIFT: "Tolerated"; PolyPhen-2: "Probably Damaging"; Align-GVGD: "Class C0"). In summary, the available evidence is currently insufficient to determine the role of this variant in disease. Therefore, it has been classified as a Variant of Uncertain Significance.

GeneDx
Classification: Uncertain significance. Last evaluated: 2022-02-10. Review status: criteria provided, single submitter. Criteria: GeneDx Variant Classification Process June 2021. Collection method: clinical testing. Allele origin: germline. Affected: yes.
Comment: In silico analysis supports that this missense variant has a deleterious effect on protein structure/function; Has not been previously published as pathogenic or benign to our knowledge

Juno Genomics, Hangzhou Juno Genomics, Inc
Classification: Uncertain significance for Autosomal recessive hypophosphatemic bone disease. Review status: criteria provided, single submitter. Criteria: ACMG Guidelines, 2015. Collection method: clinical testing. Allele origin: germline.
Comment: Absent from controls (or at extremely low frequency if recessive) in Genome Aggregation Database.;Multiple lines of computational evidence support a deleterious effect on the gene or gene product.